The following is an entry in ClinVar:

ClinVar aggregate classification (germline): Uncertain significance (1 of 4 stars; one submission).

Conditions:
Charcot-Marie-Tooth disease axonal type 2O. Also called: CHARCOT-MARIE-TOOTH NEUROPATHY, AXONAL, TYPE 2O; CHARCOT-MARIE-TOOTH DISEASE, AXONAL, AUTOSOMAL DOMINANT, TYPE 2O; Charcot-Marie-Tooth Neuropathy Type 2O; Charcot-Marie-Tooth disease, axonal, type 20. Identifiers: Orphanet 284232, MedGen C3280220, MONDO:0013644, OMIM 614228.

gnomAD v4.1: 1 of 1,614,152 alleles (0.000062%); highest among the groups gnomAD compares: East Asian, 0.0022%; no homozygotes.

Submission:

Labcorp Genetics (formerly Invitae), Labcorp
Classification: Uncertain significance for Charcot-Marie-Tooth disease axonal type 2O. Last evaluated: 2024-04-30. Review status: criteria provided, single submitter. Criteria: Invitae Variant Classification Sherloc (09022015). Collection method: clinical testing. Allele origin: germline.
Comment: This sequence change falls in intron 26 of the DYNC1H1 gene. It does not directly change the encoded amino acid sequence of the DYNC1H1 protein. It affects a nucleotide within the consensus splice site. This variant is present in population databases (no rsID available, gnomAD 0.006%). This variant has not been reported in the literature in individuals affected with DYNC1H1-related conditions. Variants that disrupt the consensus splice site are a relatively common cause of aberrant splicing (PMID: 17576681, 9536098). Algorithms developed to predict the effect of sequence changes on RNA splicing suggest that this variant is not likely to affect RNA splicing. In summary, the available evidence is currently insufficient to determine the role of this variant in disease. Therefore, it has been classified as a Variant of Uncertain Significance.

Literature cited by the submitters: PubMed 17576681; PubMed 9536098.

NM_001376.5(DYNC1H1):c.5433+3T>G

Gene: DYNC1H1 (dynein cytoplasmic 1 heavy chain 1; plus strand). Cytogenetic location: 14q32.31.
Variant type: single nucleotide variant.
Coding change: c.5433+3T>G on transcript NM_001376.5 (MANE Select); 3 bases into the intron after coding-DNA position 5433, T replaced by G.
Molecular consequence: intron variant.
Genome position (GRCh38, 1-based): chr14:102,005,239, T>G. VCF-style: chr14-102005239-T-G. GRCh37 (hg19) VCF-style: chr14-102471576-T-G.
Identifiers: ClinVar variation 3651638 (VCV003651638.2).
Genomic context (GRCh38, chr14:102,005,239, plus strand): 5'-AGCAGACTCTGTCCTCATGGAGCAGCCCCCACTCCGAAGGCGGAAGCTAGAACACTTGGT[T>G]AGTCTCACACCTGACTCCTTCCTTACCAGTTAGACTCTTACACCCTCAACCACACAGTTA-3'